The following is an entry in ClinVar:

ClinVar aggregate classification (germline): Uncertain significance. Review status: criteria provided, multiple submitters, no conflicts (2 of 4 stars). 3 submissions from 3 submitters: Uncertain significance (3). Last evaluated 2025-12-09.

Conditions:
VPS13B-related disorder. Also called: VPS13B-related condition.
Cohen syndrome (COH1). Also called: PEPPER SYNDROME; Cutis verticis gyrata, retinitis pigmentosa, and sensorineural deafness. Identifiers: Orphanet 193, MedGen C0265223, MONDO:0008999, OMIM 216550.

Allele frequency attached by ClinVar (database versions not stated): gnomAD exomes 0.00001 and 0.00002; TOPMed below 0.00001; gnomAD 0.00001.
gnomAD v4.1: 6 of 1,613,778 alleles (0.00037%); highest among the groups gnomAD compares: Admixed American, 0.01%; no homozygotes.

Submissions (3):

PreventionGenetics, part of Exact Sciences
Classification: Uncertain significance for VPS13B-related condition. Last evaluated: 2025-12-09. Review status: criteria provided, single submitter. Criteria: ACMG Guidelines, 2015. Collection method: clinical testing. Allele origin: germline.
Comment: The VPS13B c.2906A>G variant is predicted to result in the amino acid substitution p.Gln969Arg. To our knowledge, this variant has not been reported in the literature. This variant is reported in 0.014% of alleles in individuals of Latino descent in gnomAD. At this time, the clinical significance of this variant is uncertain due to the absence of conclusive functional and genetic evidence.

Labcorp Genetics (formerly Invitae), Labcorp
Classification: Uncertain significance for Cohen syndrome. Last evaluated: 2024-09-05. Review status: criteria provided, single submitter. Criteria: Invitae Variant Classification Sherloc (09022015). Collection method: clinical testing. Allele origin: germline.
Comment: This sequence change replaces glutamine, which is neutral and polar, with arginine, which is basic and polar, at codon 969 of the VPS13B protein (p.Gln969Arg). This variant is present in population databases (rs398124332, gnomAD 0.01%). This variant has not been reported in the literature in individuals affected with VPS13B-related conditions. ClinVar contains an entry for this variant (Variation ID: 95843). Invitae Evidence Modeling of protein sequence and biophysical properties (such as structural, functional, and spatial information, amino acid conservation, physicochemical variation, residue mobility, and thermodynamic stability) indicates that this missense variant is expected to disrupt VPS13B protein function with a positive predictive value of 80%. In summary, the available evidence is currently insufficient to determine the role of this variant in disease. Therefore, it has been classified as a Variant of Uncertain Significance.

Eurofins Ntd Llc (ga)
Classification: Uncertain significance. Last evaluated: 2012-11-29. Review status: criteria provided, single submitter. Criteria: EGL Classification Definitions 2015. Collection method: clinical testing. Allele origin: germline. Observed: 2 variant alleles, 2 heterozygotes.

NM_152564.5(VPS13B):c.2906A>G (p.Gln969Arg)

Gene: VPS13B (vacuolar protein sorting 13 homolog B; plus strand). Cytogenetic location: 8q22.2.
Variant type: single nucleotide variant.
Coding change: c.2906A>G on transcript NM_152564.5 (MANE Select); coding-DNA position 2906, A replaced by G.
Protein change: p.Gln969Arg; replaces glutamine 969 with arginine.
Molecular consequence: missense variant.
Genome position (GRCh38, 1-based): chr8:99,384,289, A>G. VCF-style: chr8-99384289-A-G. GRCh37 (hg19) VCF-style: chr8-100396517-A-G.
Other names: c.2906A>G (NM_152564.4); c.2906A>G, p.Gln969Arg (NM_017890.5); short protein forms Q969R.
Identifiers: ClinVar variation 95843 (VCV000095843.10), dbSNP rs398124332, ClinGen allele CA223417.